The following is an entry in ClinVar:

ClinVar aggregate classification (germline): Uncertain significance (1 of 4 stars; one submission).

Allele frequency attached by ClinVar (database versions not stated): gnomAD exomes below 0.00001; TOPMed below 0.00001; gnomAD 0.00001 and 0.00003.
gnomAD v4.1: 2 of 1,614,042 alleles (0.00012%); highest among the groups gnomAD compares: Non-Finnish European, 0.00017%; no homozygotes.

Submission:

GeneDx
Classification: Uncertain significance. Last evaluated: 2018-11-07. Review status: criteria provided, single submitter. Criteria: GeneDx Variant Classification (06012015). Collection method: clinical testing. Allele origin: germline. Affected: yes.
Comment: TThe G340D variant in the SALL4 gene has not been reported previously as a pathogenic variant, nor as a benign variant, to our knowledge. The G340D variant is not observed at a significant frequency in large population cohorts (Lek et al., 2016). The G340D variant is a non-conservative amino acid substitution, which is likely to impact secondary protein structure as these residues differ in polarity, charge, size and/or other properties. In-silico analyses, including protein predictors and evolutionary conservation, support a deleterious effect. We interpret G340D as a variant of uncertain significance.

NM_020436.5(SALL4):c.1019G>A (p.Gly340Asp)

Gene: SALL4 (spalt like transcription factor 4; minus strand). Cytogenetic location: 20q13.2.
Variant type: single nucleotide variant.
Coding change: c.1019G>A on transcript NM_020436.5 (MANE Select); coding-DNA position 1019, G replaced by A.
Protein change: p.Gly340Asp; replaces glycine 340 with aspartic acid.
Molecular consequence: missense variant.
Genome position (GRCh38, 1-based): chr20:51,791,464, C>T on the plus strand (G>A on the coding strand, the complement: SALL4 is on the minus strand). VCF-style: chr20-51791464-C-T. GRCh37 (hg19) VCF-style: chr20-50408003-C-T.
Other names: c.1019G>A, p.Gly340Asp (NM_001318031.2); c.1019G>A (LRG_675t1); short protein forms G340D.
Identifiers: ClinVar variation 430180 (VCV000430180.2), dbSNP rs1131691819, ClinGen allele CA409014622.